The following is an entry in ClinVar:

ClinVar aggregate classification (germline): Likely benign. Review status: criteria provided, single submitter (1 of 4 stars). 2 submissions from 2 submitters: Likely benign (1). 1 of the submissions does not count toward it. Last evaluated 2023-03-18.

Conditions:
GLDC-related disorder. Also called: GLDC-related condition.
Glycine encephalopathy. Also called: Nonketotic hyperglycinemia; Non-ketotic hyperglycinemia. Identifiers: Orphanet 407, MedGen C0751748, MONDO:0011612, HP:0008288.

Allele frequency attached by ClinVar (database versions not stated): gnomAD exomes below 0.00001.
gnomAD v4.1: 1 of 1,614,138 alleles (0.000062%); highest among the groups gnomAD compares: South Asian, 0.0011%; no homozygotes.

Submissions (2):

Labcorp Genetics (formerly Invitae), Labcorp
Classification: Likely benign for Glycine encephalopathy. Last evaluated: 2023-03-18. Review status: criteria provided, single submitter. Criteria: Invitae Variant Classification Sherloc (09022015). Collection method: clinical testing. Allele origin: germline.

PreventionGenetics, part of Exact Sciences
Classification: Likely benign for GLDC-related condition. Last evaluated: 2024-09-04. Review status: no assertion criteria provided. Collection method: clinical testing. Allele origin: germline. Not counted in ClinVar's aggregate classification.
Comment: This variant is classified as likely benign based on ACMG/AMP sequence variant interpretation guidelines (Richards et al. 2015 PMID: 25741868, with internal and published modifications).

NM_000170.3(GLDC):c.978T>C (p.Tyr326=)

Gene: GLDC (glycine decarboxylase; minus strand). Cytogenetic location: 9p24.1.
Variant type: single nucleotide variant.
Coding change: c.978T>C on transcript NM_000170.3 (MANE Select); coding-DNA position 978, T replaced by C.
Protein change: p.Tyr326=; no amino-acid change (tyrosine 326 retained).
Molecular consequence: synonymous variant.
Genome position (GRCh38, 1-based): chr9:6,604,668, A>G on the plus strand (T>C on the coding strand, the complement: GLDC is on the minus strand). VCF-style: chr9-6604668-A-G. GRCh37 (hg19) VCF-style: chr9-6604668-A-G.
Identifiers: ClinVar variation 2846987 (VCV002846987.4), dbSNP rs2489103037, ClinGen allele CA463601169.